The following is an entry in ClinVar:

NM_000026.4(ADSL):c.586C>T (p.Arg196Trp)

Gene: ADSL (adenylosuccinate lyase; plus strand). Cytogenetic location: 22q13.1.
Variant type: single nucleotide variant.
Coding change: c.586C>T on transcript NM_000026.4 (MANE Select); coding-DNA position 586, C replaced by T.
Protein change: p.Arg196Trp; replaces arginine 196 with tryptophan.
Molecular consequence: missense variant. On other transcripts: non-coding transcript variant (1).
Genome position (GRCh38, 1-based): chr22:40,358,967, C>T. VCF-style: chr22-40358967-C-T. GRCh37 (hg19) VCF-style: chr22-40754971-C-T.
Other names: c.586C>T, p.Arg196Trp (NM_001123378.3, NM_001363840.3); c.394C>T, p.Arg132Trp (NM_001317923.2); short protein forms R196W, R132W.
Identifiers: ClinVar variation 580751 (VCV000580751.7), dbSNP rs376533106, ClinGen allele CA10247761.

ClinVar aggregate classification (germline): Uncertain significance. Review status: criteria provided, multiple submitters, no conflicts (2 of 4 stars). 2 submissions from 2 submitters: Uncertain significance (2). Last evaluated 2024-06-04.

Conditions:
Adenylosuccinate lyase deficiency (ADSLD). Also called: ADSL DEFICIENCY. Identifiers: Orphanet 46, MedGen C0268126, MONDO:0007068, OMIM 103050.

Allele frequency attached by ClinVar (database versions not stated): gnomAD 0.00001; gnomAD exomes 0.00001; ExAC 0.00002; TOPMed 0.00002; ESP Exome Variant Server 0.00008.

Submissions (2):

Blueprint Genetics
Classification: Uncertain significance. Last evaluated: 2024-06-04. Review status: criteria provided, single submitter. Criteria: ACMG Guidelines, 2015. Collection method: clinical testing. Allele origin: germline.

Labcorp Genetics (formerly Invitae), Labcorp
Classification: Uncertain significance for Adenylosuccinate lyase deficiency. Last evaluated: 2022-08-09. Review status: criteria provided, single submitter. Criteria: Invitae Variant Classification Sherloc (09022015). Collection method: clinical testing. Allele origin: germline.
Comment: In summary, the available evidence is currently insufficient to determine the role of this variant in disease. Therefore, it has been classified as a Variant of Uncertain Significance. Advanced modeling of protein sequence and biophysical properties (such as structural, functional, and spatial information, amino acid conservation, physicochemical variation, residue mobility, and thermodynamic stability) performed at Invitae indicates that this missense variant is expected to disrupt ADSL protein function. ClinVar contains an entry for this variant (Variation ID: 580751). This variant has not been reported in the literature in individuals affected with ADSL-related conditions. This variant is present in population databases (rs376533106, gnomAD 0.007%). This sequence change replaces arginine, which is basic and polar, with tryptophan, which is neutral and slightly polar, at codon 196 of the ADSL protein (p.Arg196Trp).